The following is an entry in ClinVar:

ClinVar aggregate classification (germline): Likely benign. Review status: criteria provided, multiple submitters, no conflicts (2 of 4 stars). 6 submissions from 6 submitters: Likely benign (3). 3 of the submissions do not count toward it. Last evaluated 2026-01-28.

Conditions:
ARPC1B-related disorder. Also called: ARPC1B-related condition.

Allele frequency attached by ClinVar (database versions not stated): ESP Exome Variant Server 0.00031; TOPMed 0.00039; ExAC 0.00040; gnomAD exomes 0.00043 and 0.00084; gnomAD 0.00046; 1000 Genomes Project 0.00060; 1000 Genomes Project 30x 0.00062.
gnomAD v4.1: 1,263 of 1,614,184 alleles (0.078%); highest among the groups gnomAD compares: Non-Finnish European, 0.1%; 2 homozygotes.

Submissions (6):

Labcorp Genetics (formerly Invitae), Labcorp
Classification: Likely benign. Last evaluated: 2026-01-28. Review status: criteria provided, single submitter. Criteria: Invitae Variant Classification Sherloc (09022015). Collection method: clinical testing. Allele origin: germline.

Mayo Clinic Laboratories, Mayo Clinic
Classification: Likely benign. Last evaluated: 2025-06-05. Review status: criteria provided, single submitter. Criteria: ACMG Guidelines, 2015. Collection method: clinical testing. Allele origin: germline. Observed: 4 variant alleles.
Comment: BP4, BP7

Blueprint Genetics
Classification: Likely benign. Last evaluated: 2024-11-07. Review status: criteria provided, single submitter. Criteria: ACMG Guidelines, 2015. Collection method: clinical testing. Allele origin: germline.

PreventionGenetics, part of Exact Sciences
Classification: Likely benign for ARPC1B-related condition. Last evaluated: 2024-09-19. Review status: no assertion criteria provided. Collection method: clinical testing. Allele origin: germline. Not counted in ClinVar's aggregate classification.
Comment: This variant is classified as likely benign based on ACMG/AMP sequence variant interpretation guidelines (Richards et al. 2015 PMID: 25741868, with internal and published modifications).

Clinical Genetics DNA and cytogenetics Diagnostics Lab, Erasmus MC, Erasmus Medical Center
Classification: Likely benign. Review status: no assertion criteria provided. Collection method: clinical testing. Allele origin: germline. Affected: yes. Study: VKGL Data-share Consensus. Not counted in ClinVar's aggregate classification.

Genome Diagnostics Laboratory, University Medical Center Utrecht
Classification: Likely benign. Review status: no assertion criteria provided. Collection method: clinical testing. Allele origin: germline. Affected: yes. Study: VKGL Data-share Consensus. Not counted in ClinVar's aggregate classification.

NM_005720.4(ARPC1B):c.432C>T (p.Thr144=)

Gene: ARPC1B (actin related protein 2/3 complex subunit 1B; plus strand). Cytogenetic location: 7q22.1.
Variant type: single nucleotide variant.
Coding change: c.432C>T on transcript NM_005720.4 (MANE Select); coding-DNA position 432, C replaced by T.
Protein change: p.Thr144=; no amino-acid change (threonine 144 retained).
Molecular consequence: synonymous variant.
Genome position (GRCh38, 1-based): chr7:99,389,944, C>T. VCF-style: chr7-99389944-C-T. GRCh37 (hg19) VCF-style: chr7-98987567-C-T.
Other names: p.Thr144=; c.432C>T (NM_005720.3).
Identifiers: ClinVar variation 1146808 (VCV001146808.14), dbSNP rs148826187, ClinGen allele CA4364013.
Genomic context (GRCh38, chr7:99,389,944, plus strand): 5'-CTGCCTGACCACCGTTCCCAGGTGGGTTTGCAAGCACATCAAGAAGCCCATCCGCTCCAC[C>T]GTCCTCAGCCTGGACTGGCACCCCAACAATGTGCTGCTGGCTGCCGGCTCCTGTGACTTC-3'
Protein context (NP_005711.1, residues 134-154): CKHIKKPIRS[Thr144=]VLSLDWHPNN